The following is an entry in ClinVar:

NM_177438.3(DICER1):c.3328A>C (p.Ile1110Leu)

Gene: DICER1 (dicer 1, ribonuclease III; minus strand). Cytogenetic location: 14q32.13.
Variant type: single nucleotide variant.
Coding change: c.3328A>C on transcript NM_177438.3 (MANE Select); coding-DNA position 3328, A replaced by C.
Protein change: p.Ile1110Leu; replaces isoleucine 1110 with leucine.
Molecular consequence: missense variant.
Genome position (GRCh38, 1-based): chr14:95,104,068, T>G on the plus strand (A>C on the coding strand, the complement: DICER1 is on the minus strand). VCF-style: chr14-95104068-T-G. GRCh37 (hg19) VCF-style: chr14-95570405-T-G.
Other names: c.3328A>C, p.Ile1110Leu (NM_001195573.1, NM_001271282.3, NM_001291628.2 and 1 more transcripts); short protein forms I1110L.
Identifiers: ClinVar variation 1042972 (VCV001042972.13), dbSNP rs1566769439, ClinGen allele CA390875891.

ClinVar aggregate classification (germline): Uncertain significance. Review status: criteria provided, multiple submitters, no conflicts (2 of 4 stars). 2 submissions from 2 submitters: Uncertain significance (2). Last evaluated 2022-06-16.

Conditions:
DICER1-related tumor predisposition. Also called: DICER1 syndrome; DICER1-related pleuropulmonary blastoma cancer predisposition syndrome. Identifiers: Orphanet 284343, MedGen C3839822, MONDO:0100216.
Hereditary cancer-predisposing syndrome. Also called: Hereditary neoplastic syndrome; Neoplastic Syndromes, Hereditary; Tumor predisposition; Hereditary Cancer Syndrome. Identifiers: Orphanet 140162, MedGen C0027672, MeSH D009386, MONDO:0015356.

Submissions (2):

Labcorp Genetics (formerly Invitae), Labcorp
Classification: Uncertain significance for DICER1-related tumor predisposition. Last evaluated: 2022-06-16. Review status: criteria provided, single submitter. Criteria: Invitae Variant Classification Sherloc (09022015). Collection method: clinical testing. Allele origin: germline.
Comment: In summary, the available evidence is currently insufficient to determine the role of this variant in disease. Therefore, it has been classified as a Variant of Uncertain Significance. Algorithms developed to predict the effect of missense changes on protein structure and function (SIFT, PolyPhen-2, Align-GVGD) all suggest that this variant is likely to be tolerated. This sequence change replaces isoleucine, which is neutral and non-polar, with leucine, which is neutral and non-polar, at codon 1110 of the DICER1 protein (p.Ile1110Leu). This variant is not present in population databases (gnomAD no frequency). This variant has not been reported in the literature in individuals affected with DICER1-related conditions. ClinVar contains an entry for this variant (Variation ID: 1042972).

Ambry Genetics
Classification: Uncertain significance for Hereditary cancer-predisposing syndrome. Last evaluated: 2020-11-05. Review status: criteria provided, single submitter. Criteria: Ambry Variant Classification Scheme 2023. Collection method: clinical testing. Allele origin: germline.
Comment: The p.I1110L variant (also known as c.3328A>C), located in coding exon 20 of the DICER1 gene, results from an A to C substitution at nucleotide position 3328. The isoleucine at codon 1110 is replaced by leucine, an amino acid with highly similar properties. This amino acid position is poorly conserved in available vertebrate species. In addition, this alteration is predicted to be tolerated by in silico analysis. Since supporting evidence is limited at this time, the clinical significance of this alteration remains unclear.